The following is an entry in ClinVar:

ClinVar aggregate classification (germline): Uncertain significance. Review status: criteria provided, multiple submitters, no conflicts (2 of 4 stars). 2 submissions from 2 submitters: Uncertain significance (2). Last evaluated 2025-09-26.

Allele frequency attached by ClinVar (database versions not stated): TOPMed 0.00009; ExAC 0.00010; gnomAD 0.00010; ESP Exome Variant Server 0.00031.
gnomAD v4.1: 140 of 1,612,330 alleles (0.0087%); highest among the groups gnomAD compares: Non-Finnish European, 0.012%; no homozygotes.

Submissions (2):

Ambry Genetics
Classification: Uncertain significance. Last evaluated: 2025-09-26. Review status: criteria provided, single submitter. Criteria: Ambry Variant Classification Scheme 2023. Collection method: clinical testing. Allele origin: germline.

Labcorp Genetics (formerly Invitae), Labcorp
Classification: Uncertain significance. Last evaluated: 2025-07-24. Review status: criteria provided, single submitter. Criteria: Invitae Variant Classification Sherloc (09022015). Collection method: clinical testing. Allele origin: germline.
Comment: This sequence change replaces histidine, which is basic and polar, with arginine, which is basic and polar, at codon 436 of the AGAP1 protein (p.His436Arg). This variant is present in population databases (rs200760256, gnomAD 0.02%). This variant has not been reported in the literature in individuals affected with AGAP1-related conditions. ClinVar contains an entry for this variant (Variation ID: 2197957). An algorithm developed to predict the effect of missense changes on protein structure and function (PolyPhen-2) suggests that this variant is likely to be tolerated. In summary, the available evidence is currently insufficient to determine the role of this variant in disease. Therefore, it has been classified as a Variant of Uncertain Significance.

NM_001037131.3(AGAP1):c.1307A>G (p.His436Arg)

Gene: AGAP1 (ArfGAP with GTPase domain, ankyrin repeat and PH domain 1; plus strand). Cytogenetic location: 2q37.2.
Variant type: single nucleotide variant.
Coding change: c.1307A>G on transcript NM_001037131.3 (MANE Select); coding-DNA position 1307, A replaced by G.
Protein change: p.His436Arg; replaces histidine 436 with arginine.
Molecular consequence: missense variant.
Genome position (GRCh38, 1-based): chr2:235,908,889, A>G. VCF-style: chr2-235908889-A-G. GRCh37 (hg19) VCF-style: chr2-236817533-A-G.
Other names: c.1307A>G, p.His436Arg (NM_014914.5); c.1307A>G (NM_001037131.2); short protein forms H436R.
Identifiers: ClinVar variation 2197957 (VCV002197957.6), dbSNP rs200760256, ClinGen allele CA2184794.